The following is an entry in ClinVar:

ClinVar aggregate classification (germline): Benign. Review status: criteria provided, multiple submitters, no conflicts (2 of 4 stars). 3 submissions from 3 submitters: Benign (3). Last evaluated 2019-11-11.

Conditions:
UV-sensitive syndrome 3 (UVSS3). Identifiers: Orphanet 178338, MedGen C3553328, MONDO:0013834, OMIM 614640.

Allele frequency attached by ClinVar (database versions not stated): gnomAD exomes 0.68223 and 0.69832; ESP Exome Variant Server 0.69067; gnomAD 0.69366 and 0.69466; ExAC 0.69457; 1000 Genomes Project 0.69649; TOPMed 0.69760; 1000 Genomes Project 30x 0.69863.
gnomAD v4.1: 1,100,335 of 1,611,306 alleles (68%); highest among the groups gnomAD compares: Admixed American, 81%; 376,909 homozygotes.

Submissions (4):

Centre for Mendelian Genomics, University Medical Centre Ljubljana
Classification: Benign for UV-sensitive syndrome 3. Last evaluated: 2019-11-11. Review status: criteria provided, single submitter. Criteria: ACMG Guidelines, 2015. Collection method: clinical testing. Allele origin: unknown. Affected: yes.
Comment: This variant was classified as: Benign. The following ACMG criteria were applied in classifying this variant: BS1,BS2. This variant was detected in homozygous state.

Mendelics
Classification: Benign for UV-sensitive syndrome 3. Last evaluated: 2019-05-28. Review status: criteria provided, single submitter. Criteria: Mendelics Assertion Criteria 2017. Collection method: clinical testing. Allele origin: unknown.

Breakthrough Genomics
Classification: Benign. Review status: criteria provided, single submitter. Criteria: ACMG Guidelines, 2015. Collection method: not provided. Allele origin: germline. Inheritance: Autosomal recessive inheritance. Affected: yes.

Dr. Peter K. Rogan Lab, Western University
No classification provided (evidence only). Condition: Familial cancer of breast. Review status: no classification provided. Collection method: in vitro. Allele origin: not applicable. Functional consequence: retained intron. Not counted in ClinVar's aggregate classification.

NM_020894.4(UVSSA):c.1859C>T (p.Pro620Leu)

Gene: UVSSA (UV stimulated scaffold protein A; plus strand). Cytogenetic location: 4p16.3.
Variant type: single nucleotide variant.
Coding change: c.1859C>T on transcript NM_020894.4 (MANE Select); coding-DNA position 1859, C replaced by T.
Protein change: p.Pro620Leu; replaces proline 620 with leucine.
Molecular consequence: missense variant.
Genome position (GRCh38, 1-based): chr4:1,380,986, C>T. VCF-style: chr4-1380986-C-T. GRCh37 (hg19) VCF-style: chr4-1374774-C-T.
Other names: c.1859C>T, p.Pro620Leu (NM_001317934.2, NM_001317935.2); short protein forms P620L.
Identifiers: ClinVar variation 802047 (VCV000802047.6), dbSNP rs28522910, ClinGen allele CA2806369.